The following is an entry in ClinVar:

ClinVar aggregate classification (germline): Likely pathogenic. Review status: criteria provided, multiple submitters, no conflicts (2 of 4 stars). 2 submissions from 2 submitters: Likely pathogenic (2). Last evaluated 2024-01-09.

Conditions:
Early-infantile DEE. Also called: Ohtahara syndrome; Early infantile epileptic encephalopathy; Early infantile epileptic encephalopathy with suppression bursts. Identifiers: Orphanet 1934, MedGen C0393706, MONDO:0800491.
Severe myoclonic epilepsy in infancy (DRVT). Also called: SEVERE MYOCLONIC EPILEPSY OF INFANCY; DEVELOPMENTAL AND EPILEPTIC ENCEPHALOPATHY 6A; Severe Myoclonic Epilepsy in Infancy (SMEI); Epileptic encephalopathy, early infantile, 6 (Dravet syndrome); Dravet syndrome. Identifiers: Orphanet 33069, MedGen C0751122, MONDO:0100135, OMIM 607208.

Submissions (2):

Labcorp Genetics (formerly Invitae), Labcorp
Classification: Likely pathogenic for Early-infantile DEE. Last evaluated: 2024-01-09. Review status: criteria provided, single submitter. Criteria: Invitae Variant Classification Sherloc (09022015). Collection method: clinical testing. Allele origin: germline.
Comment: This sequence change replaces isoleucine, which is neutral and non-polar, with asparagine, which is neutral and polar, at codon 1347 of the SCN1A protein (p.Ile1347Asn). This variant is not present in population databases (gnomAD no frequency). This variant has not been reported in the literature in individuals affected with SCN1A-related conditions. ClinVar contains an entry for this variant (Variation ID: 488378). Advanced modeling of protein sequence and biophysical properties (such as structural, functional, and spatial information, amino acid conservation, physicochemical variation, residue mobility, and thermodynamic stability) performed at Invitae indicates that this missense variant is expected to disrupt SCN1A protein function with a positive predictive value of 95%. This variant disrupts the p.Ile347 amino acid residue in SCN1A. Other variant(s) that disrupt this residue have been determined to be pathogenic (PMID: 27652284; Invitae). This suggests that this residue is clinically significant, and that variants that disrupt this residue are likely to be disease-causing. In summary, the currently available evidence indicates that the variant is pathogenic, but additional data are needed to prove that conclusively. Therefore, this variant has been classified as Likely Pathogenic.

Victorian Clinical Genetics Services, Murdoch Childrens Research Institute
Classification: Likely pathogenic for Severe myoclonic epilepsy in infancy. Last evaluated: 2017-08-29. Review status: criteria provided, single submitter. Criteria: ACMG Guidelines, 2015. Collection method: clinical testing. Allele origin: de novo. Inheritance: Autosomal dominant inheritance. Affected: yes. Observed: 1 variant allele.
Comment: A heterozygous missense variant was identified, NM_001165963.1(SCN1A):c.4040T>A in exon 21 of the SCN1A gene (chr2:166859226). This substitution is predicted to create a change of an isoleucine to an asparagine at amino acid position 1347, NP_001159435.1(SCN1A):p.(Ile1347Asn). The isoleucine at this position has high conservation and is located within an ion transport domain. Grantham assessment is likely deleterious due to both conservation and amino acid properties. In silico software predicts this variant to be disease causing. This variant has not been previously observed in our patient cohort, has not been previously reported in clinical cases and is not present in population databases. Subsequenct testing of parental samples indicated that this variant is due to a de novo event, paternity confirmed. Based on current information, this variant has been classified as LIKELY PATHOGENIC.

Literature cited by the submitters: PubMed 27652284 (cited by Labcorp Genetics (formerly Invitae), Labcorp).

NM_001165963.4(SCN1A):c.4040T>A (p.Ile1347Asn)

Genes: SCN1A (sodium voltage-gated channel alpha subunit 1; minus strand), LOC102724058 (uncharacterized LOC102724058; plus strand). Cytogenetic location: 2q24.3.
Variant type: single nucleotide variant.
Coding change: c.4040T>A on transcript NM_001165963.4 (MANE Select); coding-DNA position 4040, T replaced by A.
Protein change: p.Ile1347Asn; replaces isoleucine 1347 with asparagine.
Molecular consequence: missense variant. On other transcripts: non-coding transcript variant (1).
Genome position (GRCh38, 1-based): chr2:166,002,716, A>T on the plus strand (T>A on the coding strand, the complement: SCN1A is on the minus strand). VCF-style: chr2-166002716-A-T. GRCh37 (hg19) VCF-style: chr2-166859226-A-T.
Other names: c.3956T>A, p.Ile1319Asn (NM_001165964.3, NM_001353957.2, NM_001353958.2); c.4040T>A, p.Ile1347Asn (NM_001202435.3, NM_001353948.2); c.4007T>A, p.Ile1336Asn (NM_001353949.2, NM_001353950.2, NM_001353951.2 and 2 more transcripts); c.4004T>A, p.Ile1335Asn (NM_001353954.2, NM_001353955.2); c.3953T>A, p.Ile1318Asn (NM_001353960.2); c.1598T>A, p.Ile533Asn (NM_001353961.2); short protein forms I1336N, I1347N, I1319N, I533N, I1318N, I1335N.
Identifiers: ClinVar variation 488378 (VCV000488378.6), dbSNP rs1553525325, ClinGen allele CA349050737.